The following is an entry in ClinVar:

ClinVar aggregate classification (germline): Conflicting classifications of pathogenicity. Review status: criteria provided, conflicting classifications (1 of 4 stars). 3 submissions from 3 submitters: Uncertain significance (1); Likely benign (1). 1 of the submissions does not count toward it. Last evaluated 2026-06-13.

Conditions:
SCAPER-related disorder. Also called: SCAPER-related condition.
Retinal dystrophy. Also called: Inherited retinal dystrophy. Identifiers: Orphanet 71862, MedGen C0854723, MeSH D058499, MONDO:0019118, HP:0000556.

gnomAD v4.1: 558 of 1,613,716 alleles (0.035%); highest among the groups gnomAD compares: Middle Eastern, 0.28%; no homozygotes.

Submissions (3):

PreventionGenetics, part of Exact Sciences
Classification: Uncertain significance for SCAPER-related condition. Last evaluated: 2026-06-13. Review status: criteria provided, single submitter. Criteria: ACMG Guidelines, 2015. Collection method: clinical testing. Allele origin: germline.
Comment: The SCAPER c.839C>T variant is predicted to result in the amino acid substitution p.Ala280Val. To our knowledge, this variant has not been reported in individuals with SCAPER-related disorders in the literature. This variant is reported in 0.085% of alleles in individuals of Latino descent in gnomAD, which may be too frequent to be a primary cause of disease. Although we suspect that this variant may be benign, at this time, the clinical significance of this variant is uncertain due to the absence of conclusive functional and genetic evidence.

Blueprint Genetics
Classification: Likely benign. Last evaluated: 2024-11-23. Review status: criteria provided, single submitter. Criteria: ACMG Guidelines, 2015. Collection method: clinical testing. Allele origin: germline.

Institute of Human Genetics, Univ. Regensburg, Univ. Regensburg
Classification: Uncertain significance for Retinal dystrophy. Last evaluated: 2023-01-01. Review status: no assertion criteria provided. Criteria: ACMG Guidelines, 2015. Collection method: clinical testing. Allele origin: germline. Affected: yes. Not counted in ClinVar's aggregate classification.

NM_020843.4(SCAPER):c.839C>T (p.Ala280Val)

Gene: SCAPER (S-phase cyclin A associated protein in the ER; minus strand). Cytogenetic location: 15q24.3.
Variant type: single nucleotide variant.
Coding change: c.839C>T on transcript NM_020843.4 (MANE Select); coding-DNA position 839, C replaced by T.
Protein change: p.Ala280Val; replaces alanine 280 with valine.
Molecular consequence: missense variant. On other transcripts: non-coding transcript variant (1).
Genome position (GRCh38, 1-based): chr15:76,775,051, G>A on the plus strand (C>T on the coding strand, the complement: SCAPER is on the minus strand). VCF-style: chr15-76775051-G-A. GRCh37 (hg19) VCF-style: chr15-77067392-G-A.
Other names: c.101C>T, p.Ala34Val (NM_001145923.2); c.839C>T, p.Ala280Val (NM_001353009.2); c.437C>T, p.Ala146Val (NM_001353010.2, NM_001353011.2, NM_001353012.2); c.839C>T (NM_001353009.1); short protein forms A146V, A280V, A34V.
Identifiers: ClinVar variation 3249448 (VCV003249448.4).